The following is an entry in ClinVar:

NM_000059.4(BRCA2):c.514A>C (p.Lys172Gln)

Gene: BRCA2 (BRCA2 DNA repair associated; plus strand). Cytogenetic location: 13q13.1.
Variant type: single nucleotide variant.
Coding change: c.514A>C on transcript NM_000059.4 (MANE Select); coding-DNA position 514, A replaced by C.
Protein change: p.Lys172Gln; replaces lysine 172 with glutamine.
Molecular consequence: missense variant.
Genome position (GRCh38, 1-based): chr13:32,326,280, A>C. VCF-style: chr13-32326280-A-C. GRCh37 (hg19) VCF-style: chr13-32900417-A-C.
Other names: short protein forms K172Q.
Identifiers: ClinVar variation 934526 (VCV000934526.10), dbSNP rs1566219017, ClinGen allele CA387757737.

ClinVar aggregate classification (germline): Uncertain significance (1 of 4 stars; one submission).

Conditions:
Hereditary breast ovarian cancer syndrome. Also called: Hereditary breast and ovarian cancer syndrome; Hereditary breast and ovarian cancer syndrome (HBOC); Hereditary breast and/or ovarian cancer syndrome; Hereditary breast and ovarian cancer; BRCA1- and BRCA2-Associated Hereditary Breast and Ovarian Cancer; Breast and ovarian cancer. Identifiers: Orphanet 145, MedGen C0677776, MeSH D061325, MONDO:0003582. Disease mechanism: loss of function.

Submission:

Labcorp Genetics (formerly Invitae), Labcorp
Classification: Uncertain significance for Hereditary breast ovarian cancer syndrome. Last evaluated: 2019-06-04. Review status: criteria provided, single submitter. Criteria: Invitae Variant Classification Sherloc (09022015). Collection method: clinical testing. Allele origin: germline.
Comment: In summary, the available evidence is currently insufficient to determine the role of this variant in disease. Therefore, it has been classified as a Variant of Uncertain Significance. Algorithms developed to predict the effect of missense changes on protein structure and function are either unavailable or do not agree on the potential impact of this missense change (SIFT: "Tolerated"; PolyPhen-2: "Probably Damaging"; Align-GVGD: "Class C0"). This variant has not been reported in the literature in individuals with BRCA2-related conditions. This variant is not present in population databases (ExAC no frequency). This sequence change replaces lysine with glutamine at codon 172 of the BRCA2 protein (p.Lys172Gln). The lysine residue is moderately conserved and there is a small physicochemical difference between lysine and glutamine.